The following is an entry in ClinVar:

ClinVar aggregate classification (germline): Uncertain significance. Review status: criteria provided, multiple submitters, no conflicts (2 of 4 stars). 4 submissions from 4 submitters: Uncertain significance (4). Last evaluated 2025-12-29.

Conditions:
Hereditary cancer-predisposing syndrome. Also called: Tumor predisposition; Hereditary Cancer Syndrome; Hereditary neoplastic syndrome; Neoplastic Syndromes, Hereditary. Identifiers: Orphanet 140162, MedGen C0027672, MeSH D009386, MONDO:0015356.
Familial cancer of breast. Also called: BREAST CANCER, FAMILIAL; Hereditary breast cancer; hereditary breast carcinoma. Identifiers: Orphanet 227535, MedGen C0346153, MONDO:0016419, OMIM 114480. Disease mechanism: loss of function.

Allele frequency attached by ClinVar (database versions not stated): gnomAD exomes below 0.00001; ExAC 0.00002.
gnomAD v4.1: 2 of 1,584,300 alleles (0.00013%); highest among the groups gnomAD compares: Non-Finnish European, 0.000086%; no homozygotes.

Submissions (4):

Center for Genomic Medicine, Rigshospitalet, Copenhagen University Hospital
Classification: Uncertain significance. Last evaluated: 2025-12-29. Review status: criteria provided, single submitter. Criteria: ACMG Guidelines, 2015. Collection method: clinical testing. Allele origin: germline.

Ambry Genetics
Classification: Uncertain significance for Hereditary cancer-predisposing syndrome. Last evaluated: 2025-05-11. Review status: criteria provided, single submitter. Criteria: Ambry Variant Classification Scheme 2023. Collection method: clinical testing. Allele origin: germline.
Comment: The p.F202L variant (also known as c.604T>C), located in coding exon 4 of the CHEK2 gene, results from a T to C substitution at nucleotide position 604. The phenylalanine at codon 202 is replaced by leucine, an amino acid with highly similar properties. This amino acid position is not well conserved in available vertebrate species. In addition, this alteration is predicted to be tolerated by in silico analysis. Since supporting evidence is limited at this time, the clinical significance of this alteration remains unclear.

Labcorp Genetics (formerly Invitae), Labcorp
Classification: Uncertain significance for Familial cancer of breast. Last evaluated: 2025-01-12. Review status: criteria provided, single submitter. Criteria: Invitae Variant Classification Sherloc (09022015). Collection method: clinical testing. Allele origin: germline.
Comment: This sequence change replaces phenylalanine, which is neutral and non-polar, with leucine, which is neutral and non-polar, at codon 202 of the CHEK2 protein (p.Phe202Leu). The frequency data for this variant in the population databases is considered unreliable, as metrics indicate poor data quality at this position in the gnomAD database. This variant has not been reported in the literature in individuals affected with CHEK2-related conditions. ClinVar contains an entry for this variant (Variation ID: 410047). An algorithm developed to predict the effect of missense changes on protein structure and function (PolyPhen-2) suggests that this variant is likely to be tolerated. In summary, the available evidence is currently insufficient to determine the role of this variant in disease. Therefore, it has been classified as a Variant of Uncertain Significance.

Color Diagnostics, LLC DBA Color Health
Classification: Uncertain significance for Hereditary cancer-predisposing syndrome. Last evaluated: 2021-04-20. Review status: criteria provided, single submitter. Criteria: ACMG Guidelines, 2015. Collection method: clinical testing. Allele origin: germline.
Comment: This missense variant replaces phenylalanine with leucine at codon 202 of the CHEK2 protein. Computational prediction suggests that this variant may not impact protein structure and function (internally defined REVEL score threshold <= 0.5, PMID: 27666373). To our knowledge, functional studies have not been reported for this variant. This variant has not been reported in individuals affected with hereditary cancer in the literature. This variant has been identified in 1/219652 chromosomes in the general population by the Genome Aggregation Database (gnomAD). The available evidence is insufficient to determine the role of this variant in disease conclusively. Therefore, this variant is classified as a Variant of Uncertain Significance.

Literature cited by the submitters: PubMed 39642869 (cited by Center for Genomic Medicine, Rigshospitalet, Copenhagen University Hospital).

NM_007194.4(CHEK2):c.604T>C (p.Phe202Leu)

Gene: CHEK2 (checkpoint kinase 2; minus strand). Cytogenetic location: 22q12.1.
Variant type: single nucleotide variant.
Coding change: c.604T>C on transcript NM_007194.4 (MANE Select); coding-DNA position 604, T replaced by C.
Protein change: p.Phe202Leu; replaces phenylalanine 202 with leucine.
Molecular consequence: missense variant. On other transcripts: 5 prime UTR variant (2), intron variant (1).
Genome position (GRCh38, 1-based): chr22:28,719,474, A>G on the plus strand (T>C on the coding strand, the complement: CHEK2 is on the minus strand). VCF-style: chr22-28719474-A-G. GRCh37 (hg19) VCF-style: chr22-29115462-A-G.
Other names: c.733T>C, p.Phe245Leu (NM_001005735.3, NM_001438294.1); c.-60T>C (NM_001257387.3, NM_001437942.1); c.697T>C, p.Phe233Leu (NM_001438293.1, NM_001438295.1); c.604T>C, p.Phe202Leu (NM_145862.3); c.482+5412T>C (NM_001349956.3); short protein forms F202L, F245L, F233L.
Identifiers: ClinVar variation 410047 (VCV000410047.20), dbSNP rs758529351, ClinGen allele CA10167933.